The following is an entry in ClinVar:

NM_001105206.3(LAMA4):c.2170A>G (p.Arg724Gly)

Gene: LAMA4 (laminin subunit alpha 4; minus strand). Cytogenetic location: 6q21.
Variant type: single nucleotide variant.
Coding change: c.2170A>G on transcript NM_001105206.3 (MANE Select); coding-DNA position 2170, A replaced by G.
Protein change: p.Arg724Gly; replaces arginine 724 with glycine.
Molecular consequence: missense variant.
Genome position (GRCh38, 1-based): chr6:112,150,514, T>C on the plus strand (A>G on the coding strand, the complement: LAMA4 is on the minus strand). VCF-style: chr6-112150514-T-C. GRCh37 (hg19) VCF-style: chr6-112471716-T-C.
Other names: c.2149A>G, p.Arg717Gly (NM_001105207.3, NM_002290.5); short protein forms R717G, R724G.
Identifiers: ClinVar variation 3710691 (VCV003710691.2).
Genomic context (GRCh38, chr6:112,150,514, plus strand): 5'-TTTACCTTACACTCCAGTGAATCAACAGATGAGACTTCAATTCTCTCTGATGCTTACCTC[T>C]CTCTGCTGCTTGTAGTTGCTTAACGGCATCACTGAGTCTGGTTTTAAGGGCACTTTTCCT-3'
Protein context (NP_001098676.2, residues 714-734): DAVKQLQAAE[Arg724Gly]GDAQQRLGQS

ClinVar aggregate classification (germline): Uncertain significance (1 of 4 stars; one submission).

Conditions:
Dilated cardiomyopathy 1JJ (CMD1JJ). Identifiers: Orphanet 154, MedGen C3808935, MONDO:0014095, OMIM 615235.

gnomAD v4.1: 8 of 1,595,144 alleles (0.0005%); highest among the groups gnomAD compares: South Asian, 0.0088%; no homozygotes.

Submission:

Labcorp Genetics (formerly Invitae), Labcorp
Classification: Uncertain significance for Dilated cardiomyopathy 1JJ. Last evaluated: 2024-09-21. Review status: criteria provided, single submitter. Criteria: Invitae Variant Classification Sherloc (09022015). Collection method: clinical testing. Allele origin: germline.
Comment: This sequence change replaces arginine, which is basic and polar, with glycine, which is neutral and non-polar, at codon 717 of the LAMA4 protein (p.Arg717Gly). This variant is present in population databases (rs782345019, gnomAD 0.003%). This variant has not been reported in the literature in individuals affected with LAMA4-related conditions. An algorithm developed to predict the effect of missense changes on protein structure and function (PolyPhen-2) suggests that this variant is likely to be tolerated. In summary, the available evidence is currently insufficient to determine the role of this variant in disease. Therefore, it has been classified as a Variant of Uncertain Significance.